The following is an entry in ClinVar:

NM_001382273.1(TNK2):c.1826T>A (p.Met609Lys)

Gene: TNK2 (tyrosine kinase non receptor 2; minus strand). Cytogenetic location: 3q29.
Variant type: single nucleotide variant.
Coding change: c.1826T>A on transcript NM_001382273.1 (MANE Select); coding-DNA position 1826, T replaced by A.
Protein change: p.Met609Lys; replaces methionine 609 with lysine.
Molecular consequence: missense variant. On other transcripts: non-coding transcript variant (15).
Genome position (GRCh38, 1-based): chr3:195,868,472, A>T on the plus strand (T>A on the coding strand, the complement: TNK2 is on the minus strand). VCF-style: chr3-195868472-A-T. GRCh37 (hg19) VCF-style: chr3-195595343-A-T.
Other names: c.1898T>A, p.Met633Lys (NM_001010938.2, NM_001382272.1); c.1877T>A, p.Met626Lys (NM_001308046.2, NM_001382271.1); c.1826T>A, p.Met609Lys (NM_001382274.1, NM_001387716.1, NM_001387717.1 and 1 more transcripts); c.1922T>A, p.Met641Lys (NM_001382275.1, NM_001387707.1); c.1781T>A, p.Met594Lys (NM_001386164.1, NM_001387709.1, NM_001387710.1 and 8 more transcripts); c.1853T>A, p.Met618Lys (NM_001387708.1, NM_001387715.1); short protein forms M594K, M609K, M626K, M618K, M641K, M633K.
Identifiers: ClinVar variation 4750376 (VCV004750376.1).

ClinVar aggregate classification (germline): Uncertain significance (1 of 4 stars; one submission).

Submission:

Labcorp Genetics (formerly Invitae), Labcorp
Classification: Uncertain significance. Last evaluated: 2025-04-17. Review status: criteria provided, single submitter. Criteria: Invitae Variant Classification Sherloc (09022015). Collection method: clinical testing. Allele origin: germline.
Comment: This sequence change replaces methionine, which is neutral and non-polar, with lysine, which is basic and polar, at codon 672 of the TNK2 protein (p.Met672Lys). This variant is not present in population databases (gnomAD no frequency). This variant has not been reported in the literature in individuals affected with TNK2-related conditions. An algorithm developed to predict the effect of missense changes on protein structure and function (PolyPhen-2) suggests that this variant is likely to be tolerated. In summary, the available evidence is currently insufficient to determine the role of this variant in disease. Therefore, it has been classified as a Variant of Uncertain Significance.